The following is an entry in ClinVar:

ClinVar aggregate classification (germline): Pathogenic. Review status: criteria provided, multiple submitters, no conflicts (2 of 4 stars). 5 submissions from 5 submitters: Pathogenic (4). 1 of the submissions does not count toward it. Last evaluated 2026-01-23.

Conditions:
Retinitis pigmentosa (RP). Identifiers: Orphanet 791, MedGen C0035334, MeSH D012174, MONDO:0019200, OMIM 268000. Inheritance: Autosomal dominant, autosomal recessive and X linked inheritance.
Retinitis pigmentosa 39 (RP39). Identifiers: Orphanet 791, MedGen C3151138, MONDO:0013436, OMIM 613809.
USH2A-related disorder. Also called: USH2A-related disorders; USH2A-related condition. Identifiers: MedGen CN239332.
Retinal dystrophy. Also called: Inherited retinal dystrophy. Identifiers: Orphanet 71862, MedGen C0854723, MeSH D058499, MONDO:0019118, HP:0000556.

Submissions (5):

Myriad Genetics, Inc.
Classification: Pathogenic for USH2A-related disorder. Last evaluated: 2026-01-23. Review status: criteria provided, single submitter. Criteria: Myriad Autosomal Dominant, Autosomal Recessive and X-Linked Classification Criteria (2023). Collection method: clinical testing. Allele origin: unknown.
Comment: NM_206933.2(USH2A):c.11816_11822dup7(V3942Ifs*7) is a frameshift variant classified as pathogenic in the context of USH2A-related disorders. V3942Ifs*7 has been observed in cases with relevant disease (PMID: 37217489, 37734845, 39462066). Relevant functional assessments of this variant are not available in the literature. V3942Ifs*7 has not been observed in referenced population frequency databases. In summary, NM_206933.2(USH2A):c.11816_11822dup7(V3942Ifs*7) is a frameshift variant in a gene where loss of function is a known mechanism of disease, is predicted to disrupt protein function, and has been observed more frequently in cases with the relevant disease than in healthy populations. Please note: this variant was assessed in the context of healthy population screening.

Labcorp Genetics (formerly Invitae), Labcorp
Classification: Pathogenic. Last evaluated: 2024-04-22. Review status: criteria provided, single submitter. Criteria: Invitae Variant Classification Sherloc (09022015). Collection method: clinical testing. Allele origin: germline.
Comment: This sequence change creates a premature translational stop signal (p.Val3942Ilefs*7) in the USH2A gene. It is expected to result in an absent or disrupted protein product. Loss-of-function variants in USH2A are known to be pathogenic (PMID: 10729113, 10909849, 20507924, 25649381). This variant is not present in population databases (gnomAD no frequency). This variant has not been reported in the literature in individuals affected with USH2A-related conditions. ClinVar contains an entry for this variant (Variation ID: 958065). For these reasons, this variant has been classified as Pathogenic.

Genome-Nilou Lab
Classification: Pathogenic for Retinitis pigmentosa 39. Last evaluated: 2023-11-04. Review status: criteria provided, single submitter. Criteria: ACMG Guidelines, 2015. Collection method: clinical testing. Allele origin: germline. Affected: no.

Institute of Medical Genetics and Applied Genomics, University Hospital Tübingen
Classification: Pathogenic for Retinitis pigmentosa. Last evaluated: 2021-10-20. Review status: criteria provided, single submitter. Criteria: ACMG Guidelines, 2015. Collection method: clinical testing. Allele origin: germline. Inheritance: Autosomal recessive inheritance. Affected: yes.
Comment: additional variants: c.12823T>A, p.Ser4275Thr and c.2072G>A, p.Cys691Tyr, classified as VUS

Institute of Human Genetics, Univ. Regensburg, Univ. Regensburg
Classification: Pathogenic for Retinal dystrophy. Last evaluated: 2015-01-01. Review status: no assertion criteria provided. Criteria: ACMG Guidelines, 2015. Collection method: clinical testing. Allele origin: germline. Affected: yes. Not counted in ClinVar's aggregate classification.

Literature cited by the submitters: PubMed 37217489 (cited by Myriad Genetics, Inc.); PubMed 37734845 (cited by Myriad Genetics, Inc.); PubMed 39462066 (cited by Myriad Genetics, Inc.); PubMed 10729113 (cited by Labcorp Genetics (formerly Invitae), Labcorp); PubMed 10909849 (cited by Labcorp Genetics (formerly Invitae), Labcorp); PubMed 20507924 (cited by Labcorp Genetics (formerly Invitae), Labcorp); PubMed 25649381 (cited by Labcorp Genetics (formerly Invitae), Labcorp).

NM_206933.4(USH2A):c.11816_11822dup (p.Val3942fs)

Gene: USH2A (usherin; minus strand). Cytogenetic location: 1q41.
Variant type: Duplication.
Coding change: c.11816_11822dup on transcript NM_206933.4 (MANE Select); coding-DNA positions 11816 to 11822, 7 bases duplicated (AATATCG; older notation c.11816_11822dupAATATCG).
Protein change: p.Val3942fs; shifts the reading frame from valine 3942.
Molecular consequence: frameshift variant.
Genome position (GRCh38, 1-based): chr1:215,728,274-215,728,280, CGATATT duplicated on the plus strand (AATATCG on the coding strand, the reverse complement: USH2A is on the minus strand); duplicating any 7 consecutive bases within chr1:215,728,274-215,728,282 gives the same sequence; the c. name uses the placement nearest the transcript's 3' end. VCF-style (leftmost placement, unchanged base first): chr1-215728273-C-CCGATATT. GRCh37 (hg19) VCF-style: chr1-215901615-C-CCGATATT.
Other names: short protein forms V3942fs.
Identifiers: ClinVar variation 958065 (VCV000958065.11), dbSNP rs1659891151, ClinGen allele CA1139656580.
Genomic context (GRCh38, chr1:215,728,273, plus strand): 5'-CAGAGTTTGTGTTAATGACCACAGACTCTCCACTGAACCCTTGGAGTTACAGGCTCTGAC[C>CCGATATT]CGATATTCGTAGAGTGTGAAAGGCCTCAGGGTGTCTCCTTCATCCATAAATTCAAGGGCT-3'